The following is an entry in ClinVar:

ClinVar aggregate classification (germline): Pathogenic (1 of 4 stars; one submission).

Submission:

Labcorp Genetics (formerly Invitae), Labcorp
Classification: Pathogenic. Last evaluated: 2023-07-24. Review status: criteria provided, single submitter. Criteria: Invitae Variant Classification Sherloc (09022015). Collection method: clinical testing. Allele origin: germline.
Comment: This sequence change creates a premature translational stop signal (p.Gln89*) in the MYO15A gene. It is expected to result in an absent or disrupted protein product. Loss-of-function variants in MYO15A are known to be pathogenic (PMID: 17546645). This variant is not present in population databases (gnomAD no frequency). This variant has not been reported in the literature in individuals affected with MYO15A-related conditions. For these reasons, this variant has been classified as Pathogenic.

Literature cited by the submitters: PubMed 17546645.

NM_016239.4(MYO15A):c.265C>T (p.Gln89Ter)

Gene: MYO15A (myosin XVA; plus strand). Cytogenetic location: 17p11.2.
Variant type: single nucleotide variant.
Coding change: c.265C>T on transcript NM_016239.4 (MANE Select); coding-DNA position 265, C replaced by T.
Protein change: p.Gln89Ter; replaces glutamine 89 with a stop codon.
Molecular consequence: nonsense.
Genome position (GRCh38, 1-based): chr17:18,119,065, C>T. VCF-style: chr17-18119065-C-T. GRCh37 (hg19) VCF-style: chr17-18022379-C-T.
Other names: short protein forms Q89*.
Identifiers: ClinVar variation 2746164 (VCV002746164.3), dbSNP rs2545173109, ClinGen allele CA398572341.